The following is an entry in ClinVar:

ClinVar aggregate classification (germline): Uncertain significance (1 of 4 stars; one submission).

Conditions:
Hereditary cancer-predisposing syndrome. Also called: Hereditary neoplastic syndrome; Neoplastic Syndromes, Hereditary; Tumor predisposition; Hereditary Cancer Syndrome. Identifiers: Orphanet 140162, MedGen C0027672, MeSH D009386, MONDO:0015356.

Submission:

Ambry Genetics
Classification: Uncertain significance for Hereditary cancer-predisposing syndrome. Last evaluated: 2025-08-27. Review status: criteria provided, single submitter. Criteria: Ambry Variant Classification Scheme 2023. Collection method: clinical testing. Allele origin: germline.
Comment: The p.M121L variant (also known as c.361A>C), located in coding exon 4 of the MUTYH gene, results from an A to C substitution at nucleotide position 361. The methionine at codon 121 is replaced by leucine, an amino acid with highly similar properties. This amino acid position is conserved. In addition, this alteration is predicted to be tolerated by in silico analysis. Based on the available evidence, the clinical significance of this variant remains unclear.

NM_001048174.2(MUTYH):c.277A>C (p.Met93Leu)

Gene: MUTYH (mutY DNA glycosylase; minus strand). Cytogenetic location: 1p34.1.
Variant type: single nucleotide variant.
Coding change: c.277A>C on transcript NM_001048174.2 (MANE Select); coding-DNA position 277, A replaced by C.
Protein change: p.Met93Leu; replaces methionine 93 with leucine.
Molecular consequence: missense variant. On other transcripts: initiator codon variant (3), non-coding transcript variant (7).
Genome position (GRCh38, 1-based): chr1:45,333,312, T>G on the plus strand (A>C on the coding strand, the complement: MUTYH is on the minus strand). VCF-style: chr1-45333312-T-G. GRCh37 (hg19) VCF-style: chr1-45798984-T-G.
Other names: c.361A>C, p.Met121Leu (NM_001128425.2); c.322A>C, p.Met108Leu (NM_001293190.2); c.310A>C, p.Met104Leu (NM_001293191.2, NM_001407077.1); c.1A>C, p.Met1Leu (NM_001293192.2, NM_001293196.2, NM_001407091.1); c.277A>C, p.Met93Leu (NM_001293195.2, NM_001407070.1, NM_001048171.2 and 6 more transcripts); c.6A>C, p.Arg2Ser (NM_001350650.2, NM_001350651.2, NM_001407082.1); c.352A>C, p.Met118Leu (NM_001407069.1, NM_012222.3); c.280A>C, p.Met94Leu (NM_001048172.2, NM_001407071.1, NM_001407078.1 and 2 more transcripts); and 3 more; short protein forms M104L, M108L, M94L, M118L, R2S, M65L, M93L, M100L.
Identifiers: ClinVar variation 4113627 (VCV004113627.1).